The following is an entry in ClinVar:

NM_020919.3(ALS2):c.1472_1481delTTTCCCCCAG

Gene: ALS2 (alsin Rho guanine nucleotide exchange factor ALS2; minus strand). Cytogenetic location: 2q33.1.
Variant type: single nucleotide variant.
Coding change: c.1472_1481delTTTCCCCCAG on transcript NM_020919.3; coding-DNA positions 1472 to 1481, TTTCCCCCAG deleted.
Molecular consequence: splice acceptor variant (on NM_020919.4).
Genome position: GRCh38 VCF-style: chr2-201754672-C-A. GRCh37 (hg19) VCF-style: chr2-202619395-C-A.
Other names: c.1472_1481delTTTCCCCCAG; c.1472-1G>T (NM_001410975.1, NM_020919.4).
Identifiers: ClinVar variation 4409 (VCV000004409.4), dbSNP rs387906316, ClinGen allele CA340244.
Genomic context (GRCh38, chr2:201,754,672, plus strand): 5'-GGGTCAGAACCACTGTCCTCGTTTTCACCCGTGCAGCCTTTCTTAAGAGCCTGGGGGAAA[C>A]TGAAAACCAACCAGACGTGGGGTGAAGGAGTGGGAGTCCAGAGGGTAAGAAAACATATCA-3'

ClinVar aggregate classification (germline): Pathogenic. Review status: no assertion criteria provided (0 of 4 stars). 2 submissions from 2 submitters: Pathogenic (2). Last evaluated 2011-02-10.

Conditions:
Infantile-onset ascending hereditary spastic paralysis (IAHSP). Also called: Autosomal Recessive Juvenile Amyotrophic Lateral Sclerosis; Infantile-Onset Ascending Hereditary Spastic Paralysis (IAHSP). Identifiers: Orphanet 293168, MedGen C2931441, MONDO:0011797, OMIM 607225. Disease mechanism: loss of function.

Submissions (2):

GeneReviews
Classification: Pathogenic for ALS2-Related Disorders. Last evaluated: 2011-02-10. Review status: no assertion criteria provided. Collection method: curation. Allele origin: unknown.
ClinVar note: Converted during submission from pathologic to Pathogenic.

OMIM
Classification: Pathogenic for SPASTIC PARALYSIS, INFANTILE-ONSET ASCENDING. Last evaluated: 2002-09-01. Review status: no assertion criteria provided. Collection method: literature only. Allele origin: germline.

Literature cited by the submitters: PubMed 12145748 (cited by OMIM).